The following is an entry in ClinVar:

NM_000256.3(MYBPC3):c.3757T>A (p.Cys1253Ser)

Gene: MYBPC3 (myosin binding protein C3; minus strand). Cytogenetic location: 11p11.2.
Variant type: single nucleotide variant.
Coding change: c.3757T>A on transcript NM_000256.3 (MANE Select); coding-DNA position 3757, T replaced by A.
Protein change: p.Cys1253Ser; replaces cysteine 1253 with serine.
Molecular consequence: missense variant.
Genome position (GRCh38, 1-based): chr11:47,332,129, A>T on the plus strand (T>A on the coding strand, the complement: MYBPC3 is on the minus strand). VCF-style: chr11-47332129-A-T. GRCh37 (hg19) VCF-style: chr11-47353680-A-T.
Other names: short protein forms C1253S.
Identifiers: ClinVar variation 1734607 (VCV001734607.4), dbSNP rs2495736181, ClinGen allele CA380310835.
Genomic context (GRCh38, chr11:47,332,129, plus strand): 5'-CACCTCGCACCTCCAGGCGGCACTCACACCGTGCCTCGCCCTGTAAGTTGGTGGCCCTGC[A>T]GACATAGATGCCCCCGTCAAAGGGGCAGGGCTTTCTAATCTCCAGAGTCAACACTCCCTG-3'
Protein context (NP_000247.2, residues 1243-1263): PCPFDGGIYV[Cys1253Ser]RATNLQGEAR

ClinVar aggregate classification (germline): Uncertain significance. Review status: criteria provided, multiple submitters, no conflicts (2 of 4 stars). 2 submissions from 2 submitters: Uncertain significance (2). Last evaluated 2024-03-08.

Conditions:
Hypertrophic cardiomyopathy. Also called: HYPERTROPHIC MYOCARDIOPATHY. Identifiers: Orphanet 217569, MedGen C0007194, MeSH D002312, MONDO:0005045, HP:0001639.
Cardiovascular phenotype. Identifiers: MedGen CN230736.

Submissions (2):

Labcorp Genetics (formerly Invitae), Labcorp
Classification: Uncertain significance for Hypertrophic cardiomyopathy. Last evaluated: 2024-03-08. Review status: criteria provided, single submitter. Criteria: Invitae Variant Classification Sherloc (09022015). Collection method: clinical testing. Allele origin: germline.
Comment: This sequence change replaces cysteine, which is neutral and slightly polar, with serine, which is neutral and polar, at codon 1253 of the MYBPC3 protein (p.Cys1253Ser). This variant is not present in population databases (gnomAD no frequency). This variant has not been reported in the literature in individuals affected with MYBPC3-related conditions. ClinVar contains an entry for this variant (Variation ID: 1734607). An algorithm developed to predict the effect of missense changes on protein structure and function (PolyPhen-2) suggests that this variant is likely to be disruptive. In summary, the available evidence is currently insufficient to determine the role of this variant in disease. Therefore, it has been classified as a Variant of Uncertain Significance.

Ambry Genetics
Classification: Uncertain significance for Cardiovascular phenotype. Last evaluated: 2019-09-19. Review status: criteria provided, single submitter. Criteria: Ambry Variant Classification Scheme 2023. Collection method: clinical testing. Allele origin: germline.
Comment: The p.C1253S variant (also known as c.3757T>A), located in coding exon 33 of the MYBPC3 gene, results from a T to A substitution at nucleotide position 3757. The cysteine at codon 1253 is replaced by serine, an amino acid with dissimilar properties. This amino acid position is highly conserved in available vertebrate species. In addition, this alteration is predicted to be deleterious by in silico analysis. Since supporting evidence is limited at this time, the clinical significance of this alteration remains unclear.